The following is an entry in ClinVar:

NM_032119.4(ADGRV1):c.-2G>A

Gene: ADGRV1 (adhesion G protein-coupled receptor V1; plus strand). Cytogenetic location: 5q14.3.
Variant type: single nucleotide variant.
Coding change: c.-2G>A on transcript NM_032119.4 (MANE Select); 2 bases upstream of the start codon, G replaced by A.
Molecular consequence: 5 prime UTR variant. On other transcripts: non-coding transcript variant (1).
Genome position (GRCh38, 1-based): chr5:90,558,894, G>A. VCF-style: chr5-90558894-G-A. GRCh37 (hg19) VCF-style: chr5-89854711-G-A.
Identifiers: ClinVar variation 4982790 (VCV004982790.1).

ClinVar aggregate classification (germline): Likely benign (1 of 4 stars; one submission).

Conditions:
ADGRV1-related disorder. Also called: ADGRV1-related disorders; ADGRV1-related condition.

gnomAD v4.1: 29 of 1,559,668 alleles (0.0019%); highest among the groups gnomAD compares: African/African-American, 0.0095%; no homozygotes.

Submission:

PreventionGenetics, part of Exact Sciences
Classification: Likely benign for ADGRV1-related condition. Last evaluated: 2025-03-03. Review status: criteria provided, single submitter. Criteria: ACMG Guidelines, 2015. Collection method: clinical testing. Allele origin: germline.
Comment: This variant is classified as likely benign based on ACMG/AMP sequence variant interpretation guidelines (Richards et al. 2015 PMID: 25741868, with internal and published modifications).